The following is an entry in ClinVar:

ClinVar aggregate classification (germline): Conflicting classifications of pathogenicity. Review status: criteria provided, conflicting classifications (1 of 4 stars). 3 submissions from 3 submitters: Uncertain significance (1); Likely benign (2). Last evaluated 2026-06-01.

Conditions:
Spastic paraplegia. Identifiers: MedGen C0037772, HP:0001258.
Hereditary spastic paraplegia. Also called: Familial spastic paraparesis. Identifiers: Orphanet 685, MedGen C0037773, MONDO:0019064. Disease mechanism: loss of function.

Allele frequency attached by ClinVar (database versions not stated): ExAC 0.00001; gnomAD exomes 0.00007; gnomAD 0.00013 and 0.00014.
gnomAD v4.1: 157 of 1,613,872 alleles (0.0097%); highest among the groups gnomAD compares: Admixed American, 0.04%; no homozygotes.

Submissions (3):

CeGaT Center for Human Genetics Tuebingen
Classification: Likely benign. Last evaluated: 2026-06-01. Review status: criteria provided, single submitter. Criteria: CeGaT Center For Human Genetics Tuebingen Variant Classification Criteria Version 2. Collection method: clinical testing. Allele origin: germline. Affected: yes. Observed: 1 variant allele.
Comment: GBA2: BP4, BP7

Labcorp Genetics (formerly Invitae), Labcorp
Classification: Likely benign for Spastic paraplegia. Last evaluated: 2023-12-21. Review status: criteria provided, single submitter. Criteria: Invitae Variant Classification Sherloc (09022015). Collection method: clinical testing. Allele origin: germline.

Genome Diagnostics Laboratory, The Hospital for Sick Children
Classification: Uncertain significance for Hereditary spastic paraplegia. Last evaluated: 2020-01-01. Review status: criteria provided, single submitter. Criteria: ACMG Guidelines, 2015. Collection method: clinical testing. Allele origin: germline. Affected: yes.

NM_020944.3(GBA2):c.1848T>C (p.Asp616=)

Gene: GBA2 (glucosylceramidase beta 2; minus strand). Cytogenetic location: 9p13.3.
Variant type: single nucleotide variant.
Coding change: c.1848T>C on transcript NM_020944.3 (MANE Select); coding-DNA position 1848, T replaced by C.
Protein change: p.Asp616=; no amino-acid change (aspartic acid 616 retained).
Molecular consequence: synonymous variant.
Genome position (GRCh38, 1-based): chr9:35,738,851, A>G on the plus strand (T>C on the coding strand, the complement: GBA2 is on the minus strand). VCF-style: chr9-35738851-A-G. GRCh37 (hg19) VCF-style: chr9-35738848-A-G.
Other names: c.1848T>C, p.Asp616= (NM_001330660.2).
Identifiers: ClinVar variation 1344337 (VCV001344337.10), dbSNP rs766509602, ClinGen allele CA5050265.
Genomic context (GRCh38, chr9:35,738,851, plus strand): 5'-ACCCGTGAGGTAATAGTCCCGATAAACCTGCAGCACAAACTTCAGGTTCAGGTCCTTCCA[A>G]TCAGCAGTATCATGGATTAAATATGCATTGACGCGGAGCCATGGTTCATCATCTGTGGGA-3'
Protein context (NP_065995.1, residues 606-626): VNAYLIHDTA[Asp616=]WKDLNLKFVL